The following is an entry in ClinVar:

ClinVar aggregate classification (germline): Uncertain significance (1 of 4 stars; one submission).

Conditions:
Ullrich congenital muscular dystrophy 2 (UCMD2). Identifiers: Orphanet 75840, MedGen C4225314, MONDO:0014654, OMIM 616470.
Bethlem myopathy 2 (BTHLM2). Identifiers: Orphanet 536516, Orphanet 610, MedGen C4225313, MONDO:0034022, OMIM 616471.

gnomAD v4.1: 1 of 1,614,114 alleles (0.000062%); highest among the groups gnomAD compares: Non-Finnish European, 0.000085%; no homozygotes.

Submission:

Labcorp Genetics (formerly Invitae), Labcorp
Classification: Uncertain significance for Bethlem myopathy 2; Ullrich congenital muscular dystrophy 2. Last evaluated: 2021-12-09. Review status: criteria provided, single submitter. Criteria: Invitae Variant Classification Sherloc (09022015). Collection method: clinical testing. Allele origin: germline.
Comment: This sequence change replaces proline, which is neutral and non-polar, with serine, which is neutral and polar, at codon 1644 of the COL12A1 protein (p.Pro1644Ser). This variant is not present in population databases (gnomAD no frequency). This variant has not been reported in the literature in individuals affected with COL12A1-related conditions. Algorithms developed to predict the effect of missense changes on protein structure and function output the following: SIFT: "Tolerated"; PolyPhen-2: "Benign"; Align-GVGD: "Class C0". The serine amino acid residue is found in multiple mammalian species, which suggests that this missense change does not adversely affect protein function. In summary, the available evidence is currently insufficient to determine the role of this variant in disease. Therefore, it has been classified as a Variant of Uncertain Significance.

NM_004370.6(COL12A1):c.4930C>T (p.Pro1644Ser)

Gene: COL12A1 (collagen type XII alpha 1 chain; minus strand). Cytogenetic location: 6q13.
Variant type: single nucleotide variant.
Coding change: c.4930C>T on transcript NM_004370.6 (MANE Select); coding-DNA position 4930, C replaced by T.
Protein change: p.Pro1644Ser; replaces proline 1644 with serine.
Molecular consequence: missense variant.
Genome position (GRCh38, 1-based): chr6:75,142,059, G>A on the plus strand (C>T on the coding strand, the complement: COL12A1 is on the minus strand). VCF-style: chr6-75142059-G-A. GRCh37 (hg19) VCF-style: chr6-75851775-G-A.
Other names: c.1438C>T, p.Pro480Ser (NM_080645.3); short protein forms P1644S, P480S.
Identifiers: ClinVar variation 2038570 (VCV002038570.4), dbSNP rs2533337562, ClinGen allele CA364740477.